The following is an entry in ClinVar:

NM_004370.6(COL12A1):c.2968G>T (p.Asp990Tyr)

Gene: COL12A1 (collagen type XII alpha 1 chain; minus strand). Cytogenetic location: 6q13.
Variant type: single nucleotide variant.
Coding change: c.2968G>T on transcript NM_004370.6 (MANE Select); coding-DNA position 2968, G replaced by T.
Protein change: p.Asp990Tyr; replaces aspartic acid 990 with tyrosine.
Molecular consequence: missense variant. On other transcripts: intron variant (1).
Genome position (GRCh38, 1-based): chr6:75,165,522, C>A on the plus strand (G>T on the coding strand, the complement: COL12A1 is on the minus strand). VCF-style: chr6-75165522-C-A. GRCh37 (hg19) VCF-style: chr6-75875238-C-A.
Other names: c.74-13040G>T (NM_080645.3); short protein forms D990Y.
Identifiers: ClinVar variation 582140 (VCV000582140.21), dbSNP rs201996851, ClinGen allele CA3893847.

ClinVar aggregate classification (germline): Conflicting classifications of pathogenicity. Review status: criteria provided, conflicting classifications (1 of 4 stars). 5 submissions from 5 submitters: Uncertain significance (4); Likely benign (1). Last evaluated 2026-05-07.

Conditions:
Ullrich congenital muscular dystrophy. Also called: Ullrich muscular dystrophy; Ullrich Congenital Muscular Dystrophy (UCMD). Identifiers: Orphanet 75840, MedGen C4551860, MONDO:0000355.
Bethlem myopathy 2 (BTHLM2). Identifiers: Orphanet 536516, Orphanet 610, MedGen C4225313, MONDO:0034022, OMIM 616471.
Ullrich congenital muscular dystrophy 2 (UCMD2). Identifiers: Orphanet 75840, MedGen C4225314, MONDO:0014654, OMIM 616470.
Inborn genetic diseases. Identifiers: MedGen C0950123, MeSH D030342.

Allele frequency attached by ClinVar (database versions not stated): gnomAD exomes 0.00010 and 0.00003; 1000 Genomes Project 30x 0.00016; 1000 Genomes Project 0.00020; TOPMed 0.00006; ExAC 0.00003; gnomAD 0.00005.

Submissions (5):

GeneDx
Classification: Uncertain significance. Last evaluated: 2026-05-07. Review status: criteria provided, single submitter. Criteria: GeneDx Variant Classification Process June 2021. Collection method: clinical testing. Allele origin: germline.
Comment: In silico analysis suggests that this missense variant does not alter protein structure/function; Has not been previously published as pathogenic or benign to our knowledge

Labcorp Genetics (formerly Invitae), Labcorp
Classification: Likely benign for Bethlem myopathy 2; Ullrich congenital muscular dystrophy 2. Last evaluated: 2025-12-03. Review status: criteria provided, single submitter. Criteria: Invitae Variant Classification Sherloc (09022015). Collection method: clinical testing. Allele origin: germline.

Ambry Genetics
Classification: Uncertain significance for Inborn genetic diseases. Last evaluated: 2025-10-18. Review status: criteria provided, single submitter. Criteria: Ambry Variant Classification Scheme 2023. Collection method: clinical testing. Allele origin: germline.

Women's Health and Genetics/Laboratory Corporation of America, LabCorp
Classification: Uncertain significance. Last evaluated: 2025-05-06. Review status: criteria provided, single submitter. Criteria: LabCorp Variant Classification Summary - May 2015. Collection method: clinical testing. Allele origin: germline.
Comment: Variant summary: COL12A1 c.2968G>T (p.Asp990Tyr) results in a non-conservative amino acid change in the encoded protein sequence. Algorithms developed to predict the effect of missense changes on protein structure and function are either unavailable or do not agree on the potential impact of this missense change. The variant allele was found at a frequency of 2.8e-05 in 248660 control chromosomes. The available data on variant occurrences in the general population are insufficient to allow any conclusion about variant significance. To our knowledge, no occurrence of c.2968G>T in individuals affected with Ullrich congenital muscular dystrophy 2 and no experimental evidence demonstrating its impact on protein function have been reported. ClinVar contains an entry for this variant (Variation ID: 582140). Based on the evidence outlined above, the variant was classified as uncertain significance.

Revvity Omics, Revvity
Classification: Uncertain significance. Last evaluated: 2021-10-01. Review status: criteria provided, single submitter. Criteria: ACMG Guidelines, 2015. Collection method: clinical testing. Allele origin: germline.